The following is an entry in ClinVar:

ClinVar aggregate classification (germline): Benign/Likely benign. Review status: criteria provided, multiple submitters, no conflicts (2 of 4 stars). 7 submissions from 7 submitters: Benign (3); Likely benign (1). 3 of the submissions do not count toward it. Last evaluated 2026-02-03.

Conditions:
KAT6B-related disorder. Also called: KAT6B-related disorders; KAT6B-related condition.
Inborn genetic diseases. Identifiers: MedGen C0950123, MeSH D030342.
Genitopatellar syndrome (GTPTS). Also called: ABSENT PATELLAE, SCROTAL HYPOPLASIA, RENAL ANOMALIES, FACIAL DYSMORPHISM, AND MENTAL RETARDATION; Genitopatellar syndrome (GPS). Identifiers: Orphanet 85201, MedGen C1853566, MONDO:0011640, OMIM 606170.

Submissions (7):

Labcorp Genetics (formerly Invitae), Labcorp
Classification: Benign for Genitopatellar syndrome. Last evaluated: 2026-02-03. Review status: criteria provided, single submitter. Criteria: Invitae Variant Classification Sherloc (09022015). Collection method: clinical testing. Allele origin: germline.

Ambry Genetics
Classification: Benign for Inborn genetic diseases. Last evaluated: 2022-09-15. Review status: criteria provided, single submitter. Criteria: Ambry Variant Classification Scheme 2023. Collection method: clinical testing. Allele origin: germline.

GeneDx
Classification: Benign. Last evaluated: 2019-11-26. Review status: criteria provided, single submitter. Criteria: GeneDx Variant Classification Process June 2021. Collection method: clinical testing. Allele origin: germline. Affected: yes.

Center for Pediatric Genomic Medicine, Children's Mercy Hospital and Clinics
Classification: Likely benign. Last evaluated: 2016-09-01. Review status: criteria provided, single submitter. Criteria: ACMG Guidelines, 2015. Collection method: clinical testing. Allele origin: germline.
ClinVar note: Converted during submission from Likely Benign to Likely benign.

PreventionGenetics, part of Exact Sciences
Classification: Benign for KAT6B-related condition. Last evaluated: 2020-07-01. Review status: no assertion criteria provided. Collection method: clinical testing. Allele origin: germline. Not counted in ClinVar's aggregate classification.
Comment: This variant is classified as benign based on ACMG/AMP sequence variant interpretation guidelines (Richards et al. 2015 PMID: 25741868, with internal and published modifications).

Diagnostic Laboratory, Department of Genetics, University Medical Center Groningen
Classification: Benign. Review status: no assertion criteria provided. Collection method: clinical testing. Allele origin: germline. Affected: yes. Study: VKGL Data-share Consensus. Not counted in ClinVar's aggregate classification.

Genome Diagnostics Laboratory, University Medical Center Utrecht
Classification: Likely benign. Review status: no assertion criteria provided. Collection method: clinical testing. Allele origin: germline. Affected: yes. Study: VKGL Data-share Consensus. Not counted in ClinVar's aggregate classification.

NM_012330.4(KAT6B):c.4079AAGAGGAAG[4] (p.Glu1366_Glu1368dup)

Gene: KAT6B (lysine acetyltransferase 6B; plus strand). Cytogenetic location: 10q22.2.
Variant type: Microsatellite.
Coding change: c.4079AAGAGGAAG[4] on transcript NM_012330.4 (MANE Select); four copies in a row of the 9-base unit AAGAGGAAG starting at c.4079; the reference has three copies in a row; one copy, 9 bases duplicated; also written c.4097_4105dup.
Protein change: p.Glu1366_Glu1368dup.
Molecular consequence: inframe insertion.
Genome position (GRCh38, 1-based): chr10:75,028,921-75,028,929, AAGAGGAAG duplicated; duplicating any 9 consecutive bases within chr10:75,028,902-75,028,929 gives the same sequence; the position shown is the placement nearest the transcript's 3' end. VCF-style (leftmost placement, unchanged base first): chr10-75028901-G-GGAAGAGGAA. GRCh37 (hg19) VCF-style: chr10-76788659-G-GGAAGAGGAA.
Other names: c.4097_4105dupAAGAGGAAG (NM_012330.2); c.4097_4105dup9 (NM_012330.3); c.4097_4105dup (NM_012330.3); c.3530AAGAGGAAG[4], p.Glu1183_Glu1185dup (NM_001256468.2, NM_001370138.1); c.3203AAGAGGAAG[4], p.Glu1074_Glu1076dup (NM_001256469.2, NM_001370139.1, NM_001370140.1 and 2 more transcripts); c.3041AAGAGGAAG[4], p.Glu1020_Glu1022dup (NM_001370132.1); c.2390AAGAGGAAG[4], p.Glu803_Glu805dup (NM_001370133.1); c.1994AAGAGGAAG[4], p.Glu671_Glu673dup (NM_001370134.1); and 3 more.
Identifiers: ClinVar variation 260244 (VCV000260244.26), dbSNP rs375513122, ClinGen allele CA5564961.
Genomic context (GRCh38, chr10:75,028,901, plus strand): 5'-AGGTGAAAAACCAGAAGATGATCTCATCAAACCTGAGGAAGAGGAAGAGGAGGAGGAGGA[G>GGAAGAGGAA]GAAGAGGAAGAAGAGGAAGAAGAGGAAGGGGAAGAAGAAGAAGGAGGAGGAAATGTAGAA-3'